The following is an entry in ClinVar:

ClinVar aggregate classification (germline): Benign/Likely benign. Review status: criteria provided, multiple submitters, no conflicts (2 of 4 stars). 5 submissions from 5 submitters: Benign (1); Likely benign (3). 1 of the submissions does not count toward it. Last evaluated 2026-09-01.

Conditions:
RNF213-related disorder. Also called: RNF213-related condition.

Allele frequency attached by ClinVar (database versions not stated): ESP Exome Variant Server 0.00062; TOPMed 0.00065; gnomAD exomes 0.00071 and 0.00084; ExAC 0.00082; gnomAD 0.00086 and 0.00090.
gnomAD v4.1: 1,169 of 1,613,804 alleles (0.072%); highest among the groups gnomAD compares: Non-Finnish European, 0.08%; 6 homozygotes.

Submissions (5):

CeGaT Center for Human Genetics Tuebingen
Classification: Likely benign. Last evaluated: 2026-09-01. Review status: criteria provided, single submitter. Criteria: CeGaT Center For Human Genetics Tuebingen Variant Classification Criteria Version 2. Collection method: clinical testing. Allele origin: germline. Affected: yes. Observed: 3 variant alleles.
Comment: RNF213: BP4, BS2

Labcorp Genetics (formerly Invitae), Labcorp
Classification: Benign. Last evaluated: 2026-01-25. Review status: criteria provided, single submitter. Criteria: Invitae Variant Classification Sherloc (09022015). Collection method: clinical testing. Allele origin: germline.

Mayo Clinic Laboratories, Mayo Clinic
Classification: Likely benign. Last evaluated: 2025-03-25. Review status: criteria provided, single submitter. Criteria: ACMG Guidelines, 2015. Collection method: clinical testing. Allele origin: germline. Observed: 1 variant allele.
Comment: BS2, BP4, BP7

Blueprint Genetics
Classification: Likely benign. Last evaluated: 2024-11-23. Review status: criteria provided, single submitter. Criteria: ACMG Guidelines, 2015. Collection method: clinical testing. Allele origin: germline.

PreventionGenetics, part of Exact Sciences
Classification: Likely benign for RNF213-related condition. Last evaluated: 2024-08-13. Review status: no assertion criteria provided. Collection method: clinical testing. Allele origin: germline. Not counted in ClinVar's aggregate classification.
Comment: This variant is classified as likely benign based on ACMG/AMP sequence variant interpretation guidelines (Richards et al. 2015 PMID: 25741868, with internal and published modifications).

NM_001256071.3(RNF213):c.2656-5A>G

Gene: RNF213 (ring finger protein 213; plus strand). Cytogenetic location: 17q25.3.
Variant type: single nucleotide variant.
Coding change: c.2656-5A>G on transcript NM_001256071.3 (MANE Select); 5 bases into the intron before coding-DNA position 2656, A replaced by G.
Molecular consequence: intron variant.
Genome position (GRCh38, 1-based): chr17:80,313,007, A>G. VCF-style: chr17-80313007-A-G. GRCh37 (hg19) VCF-style: chr17-78286807-A-G.
Other names: p.?; c.2656-5A>G (NM_020954.4).
Identifiers: ClinVar variation 735928 (VCV000735928.28), dbSNP rs201832175, ClinGen allele CA8819956.